The following is an entry in ClinVar:

ClinVar aggregate classification (germline): Uncertain significance. Review status: criteria provided, multiple submitters, no conflicts (2 of 4 stars). 4 submissions from 4 submitters: Uncertain significance (3). 1 of the submissions does not count toward it. Last evaluated 2025-10-20.

Conditions:
SLC25A13-related disorder. Also called: SLC25A13-related condition.
Citrullinemia. Identifiers: Orphanet 187, MedGen C0175683, MONDO:0015991.
Citrin deficiency. Identifiers: Orphanet 247582, MedGen C1997910, MONDO:0016602.

Allele frequency attached by ClinVar (database versions not stated): ExAC 0.00001; gnomAD exomes 0.00001; TOPMed 0.00004; gnomAD 0.00005; ESP Exome Variant Server 0.00008.

Submissions (4):

Labcorp Genetics (formerly Invitae), Labcorp
Classification: Uncertain significance for Citrin deficiency. Last evaluated: 2025-10-20. Review status: criteria provided, single submitter. Criteria: Invitae Variant Classification Sherloc (09022015). Collection method: clinical testing. Allele origin: germline.
Comment: This sequence change replaces arginine, which is basic and polar, with histidine, which is basic and polar, at codon 585 of the SLC25A13 protein (p.Arg585His). This variant is present in population databases (rs367770143, gnomAD 0.02%). This missense change has been observed in individual(s) with citrin deficiency (PMID: 20927635; internal data). ClinVar contains an entry for this variant (Variation ID: 501137). Invitae Evidence Modeling of protein sequence and biophysical properties (such as structural, functional, and spatial information, amino acid conservation, physicochemical variation, residue mobility, and thermodynamic stability) indicates that this missense variant is expected to disrupt SLC25A13 protein function with a positive predictive value of 80%. In summary, the available evidence is currently insufficient to determine the role of this variant in disease. Therefore, it has been classified as a Variant of Uncertain Significance.

PreventionGenetics, part of Exact Sciences
Classification: Uncertain significance for SLC25A13-related condition. Last evaluated: 2025-03-20. Review status: criteria provided, single submitter. Criteria: ACMG Guidelines, 2015. Collection method: clinical testing. Allele origin: germline.
Comment: The SLC25A13 c.1754G>A variant is predicted to result in the amino acid substitution p.Arg585His. This variant was reported in the presumed compound heterozygous state (phase not confirmed) in an individual with neonatal intrahepatic cholestasis (Fu et al. 2011. PubMed ID: 20927635). It has also been reported in an individual with recurrent fever, hepatic microabcesses, bicytopenia, hypergammaglobulinemia, and Evans syndrome (Ferreira et al. 2023. PubMed ID: 37592284); however, the second SLC25A13 variant (p.Pro540Ser) identified on the opposite allele (in trans) in this individual is classified as likely benign at PreventionGenetics. This variant is reported in 0.016% of alleles in individuals of African descent in gnomAD. At this time, the clinical significance of the p.Arg585His variant is uncertain due to the absence of conclusive functional and genetic evidence.

Eurofins Ntd Llc (ga)
Classification: Uncertain significance. Last evaluated: 2017-03-27. Review status: criteria provided, single submitter. Criteria: EGL Classification Definitions 2015. Collection method: clinical testing. Allele origin: germline. Observed: 1 variant allele, 1 heterozygote.

Natera, Inc.
Classification: Uncertain significance for Citrullinemia. Last evaluated: 2020-10-06. Review status: no assertion criteria provided. Collection method: clinical testing. Allele origin: germline. Not counted in ClinVar's aggregate classification.

Literature cited by the submitters: PubMed 20927635 (cited by Labcorp Genetics (formerly Invitae), Labcorp).

NM_014251.3(SLC25A13):c.1754G>A (p.Arg585His)

Gene: SLC25A13 (solute carrier family 25 member 13; minus strand). Cytogenetic location: 7q21.3.
Variant type: single nucleotide variant.
Coding change: c.1754G>A on transcript NM_014251.3 (MANE Select); coding-DNA position 1754, G replaced by A.
Protein change: p.Arg585His; replaces arginine 585 with histidine.
Molecular consequence: missense variant. On other transcripts: non-coding transcript variant (1).
Genome position (GRCh38, 1-based): chr7:96,121,742, C>T on the plus strand (G>A on the coding strand, the complement: SLC25A13 is on the minus strand). VCF-style: chr7-96121742-C-T. GRCh37 (hg19) VCF-style: chr7-95751054-C-T.
Other names: c.1754G>A (NM_014251.2); c.1757G>A, p.Arg586His (NM_001160210.2); short protein forms R585H, R586H.
Identifiers: ClinVar variation 501137 (VCV000501137.9), dbSNP rs367770143, ClinGen allele CA4352787.